The following is an entry in ClinVar:

NM_000090.4(COL3A1):c.2582G>A (p.Gly861Asp)

Gene: COL3A1 (collagen type III alpha 1 chain; plus strand). Cytogenetic location: 2q32.2.
Variant type: single nucleotide variant.
Coding change: c.2582G>A on transcript NM_000090.4 (MANE Select); coding-DNA position 2582, G replaced by A.
Protein change: p.Gly861Asp; replaces glycine 861 with aspartic acid.
Molecular consequence: missense variant.
Genome position (GRCh38, 1-based): chr2:189,003,439, G>A. VCF-style: chr2-189003439-G-A. GRCh37 (hg19) VCF-style: chr2-189868165-G-A.
Other names: short protein forms G861D.
Identifiers: ClinVar variation 423515 (VCV000423515.2), dbSNP rs1064796468, ClinGen allele CA16617393.

ClinVar aggregate classification (germline): Likely pathogenic (1 of 4 stars; one submission).

Submission:

GeneDx
Classification: Likely pathogenic. Last evaluated: 2017-02-14. Review status: criteria provided, single submitter. Criteria: GeneDx Variant Classification (06012015). Collection method: clinical testing. Allele origin: germline. Affected: yes.
Comment: The G861D variant that is likely pathogenic has been identified in the COL3A1 gene. This variant hasnot been published as pathogenic or been reported as benign to our knowledge. The G861D variant isnot observed in large population cohorts (Lek et al., 2016; 1000 Genomes Consortium et al., 2015;Exome Variant Server). The G861D variant is a non-conservative amino acid substitution, which islikely to impact secondary protein structure as these residues differ in polarity, charge, size and/orother properties. This substitution occurs at a position that is conserved across species, and in silicoanalysis predicts this variant is probably damaging to the protein structure/function. Furthermore, theG861D variant affects a Glycine residue in a Gly-X-Y motif in the triple helical region of the COL3A1gene, where the majority of pathogenic missense variants occur (Stenson et al., 2014; Symoens et al.,2012).